The following is an entry in ClinVar:

ClinVar aggregate classification (germline): Uncertain significance (1 of 4 stars; one submission).

gnomAD v4.1: 6 of 1,064,560 alleles (0.00056%); highest among the groups gnomAD compares: African/African-American, 0.0018%; no homozygotes.

Submission:

Labcorp Genetics (formerly Invitae), Labcorp
Classification: Uncertain significance. Last evaluated: 2025-10-14. Review status: criteria provided, single submitter. Criteria: Invitae Variant Classification Sherloc (09022015). Collection method: clinical testing. Allele origin: germline.
Comment: This sequence change replaces methionine, which is neutral and non-polar, with isoleucine, which is neutral and non-polar, at codon 670 of the POLA1 protein (p.Met670Ile). This variant is not present in population databases (gnomAD no frequency). This variant has not been reported in the literature in individuals affected with POLA1-related conditions. ClinVar contains an entry for this variant (Variation ID: 3710935). Invitae Evidence Modeling of protein sequence and biophysical properties (such as structural, functional, and spatial information, amino acid conservation, physicochemical variation, residue mobility, and thermodynamic stability) indicates that this missense variant is not expected to disrupt POLA1 protein function with a negative predictive value of 80%. In summary, the available evidence is currently insufficient to determine the role of this variant in disease. Therefore, it has been classified as a Variant of Uncertain Significance.

NM_001330360.2(POLA1):c.2028G>A (p.Met676Ile)

Gene: POLA1 (DNA polymerase alpha 1, catalytic subunit; plus strand). Cytogenetic location: Xp22.11.
Variant type: single nucleotide variant.
Coding change: c.2028G>A on transcript NM_001330360.2 (MANE Select); coding-DNA position 2028, G replaced by A.
Protein change: p.Met676Ile; replaces methionine 676 with isoleucine.
Molecular consequence: missense variant. On other transcripts: non-coding transcript variant (1).
Genome position (GRCh38, 1-based): chrX:24,737,729, G>A. VCF-style: chrX-24737729-G-A. GRCh37 (hg19) VCF-style: chrX-24755846-G-A.
Other names: c.1953G>A, p.Met651Ile (NM_001378303.1); c.2010G>A, p.Met670Ile (NM_016937.4); short protein forms M651I, M670I, M676I.
Identifiers: ClinVar variation 3710935 (VCV003710935.2).